The following is an entry in ClinVar:

NM_002184.4(IL6ST):c.1016C>A (p.Ser339Tyr)

Gene: IL6ST (interleukin 6 cytokine family signal transducer; minus strand). Cytogenetic location: 5q11.2.
Variant type: single nucleotide variant.
Coding change: c.1016C>A on transcript NM_002184.4 (MANE Select); coding-DNA position 1016, C replaced by A.
Protein change: p.Ser339Tyr; replaces serine 339 with tyrosine.
Molecular consequence: missense variant. On other transcripts: non-coding transcript variant (2), intron variant (2).
Genome position (GRCh38, 1-based): chr5:55,957,249, G>T on the plus strand (C>A on the coding strand, the complement: IL6ST is on the minus strand). VCF-style: chr5-55957249-G-T. GRCh37 (hg19) VCF-style: chr5-55253077-G-T.
Other names: c.1016C>A, p.Ser339Tyr (NM_001190981.2, NM_001364275.2); c.806C>A, p.Ser269Tyr (NM_001364276.2); c.149C>A, p.Ser50Tyr (NM_001364277.2); c.113C>A, p.Ser38Tyr (NM_001364278.2); c.61-1014C>A (NM_001364279.2); c.974-1014C>A (NM_175767.3); short protein forms S269Y, S339Y, S38Y, S50Y.
Identifiers: ClinVar variation 1368213 (VCV001368213.5), dbSNP rs748024777, ClinGen allele CA3271545.
Genomic context (GRCh38, chr5:55,957,249, plus strand): 5'-ATATAAATGTGATTTTTTACCTTCCACACGAGTTGTACAGTTCTGTAGCCTTGAGTATGG[G>T]ATGGATCTATTTTATACCAGAAACTTGGTGCTTTAGATGGTCCTAAAGAAAAGACATAAA-3'
Protein context (NP_002175.2, residues 329-349): APSFWYKIDP[Ser339Tyr]HTQGYRTVQL

ClinVar aggregate classification (germline): Uncertain significance (1 of 4 stars; one submission).

Allele frequency attached by ClinVar (database versions not stated): TOPMed 0.00005; gnomAD 0.00009.
gnomAD v4.1: 20 of 1,569,672 alleles (0.0013%); highest among the groups gnomAD compares: Admixed American, 0.035%; no homozygotes.

Submission:

Labcorp Genetics (formerly Invitae), Labcorp
Classification: Uncertain significance. Last evaluated: 2024-10-06. Review status: criteria provided, single submitter. Criteria: Invitae Variant Classification Sherloc (09022015). Collection method: clinical testing. Allele origin: germline.
Comment: This sequence change replaces serine, which is neutral and polar, with tyrosine, which is neutral and polar, at codon 339 of the IL6ST protein (p.Ser339Tyr). This variant is present in population databases (rs748024777, gnomAD 0.02%). This variant has not been reported in the literature in individuals affected with IL6ST-related conditions. ClinVar contains an entry for this variant (Variation ID: 1368213). An algorithm developed to predict the effect of missense changes on protein structure and function (PolyPhen-2) suggests that this variant is likely to be tolerated. In summary, the available evidence is currently insufficient to determine the role of this variant in disease. Therefore, it has been classified as a Variant of Uncertain Significance.